The following is an entry in ClinVar:

NM_006424.3(SLC34A2):c.499G>A (p.Val167Ile)

Gene: SLC34A2 (solute carrier family 34 member 2; plus strand). Cytogenetic location: 4p15.2.
Variant type: single nucleotide variant.
Coding change: c.499G>A on transcript NM_006424.3 (MANE Select); coding-DNA position 499, G replaced by A.
Protein change: p.Val167Ile; replaces valine 167 with isoleucine.
Molecular consequence: missense variant.
Genome position (GRCh38, 1-based): chr4:25,666,247, G>A. VCF-style: chr4-25666247-G-A. GRCh37 (hg19) VCF-style: chr4-25667869-G-A.
Other names: c.496G>A, p.Val166Ile (NM_001177998.2, NM_001177999.2); short protein forms V167I, V166I.
Identifiers: ClinVar variation 4744525 (VCV004744525.1).

ClinVar aggregate classification (germline): Uncertain significance (1 of 4 stars; one submission).

gnomAD v4.1: 404 of 1,613,830 alleles (0.025%); highest among the groups gnomAD compares: Non-Finnish European, 0.032%; no homozygotes.

Submission:

Labcorp Genetics (formerly Invitae), Labcorp
Classification: Uncertain significance. Last evaluated: 2025-05-12. Review status: criteria provided, single submitter. Criteria: Invitae Variant Classification Sherloc (09022015). Collection method: clinical testing. Allele origin: germline.
Comment: This sequence change replaces valine, which is neutral and non-polar, with isoleucine, which is neutral and non-polar, at codon 167 of the SLC34A2 protein (p.Val167Ile). This variant is present in population databases (rs745908881, gnomAD 0.02%). This variant has not been reported in the literature in individuals affected with SLC34A2-related conditions. An algorithm developed to predict the effect of missense changes on protein structure and function outputs the following: PolyPhen-2: "Benign". The isoleucine amino acid residue is found in multiple mammalian species, which suggests that this missense change does not adversely affect protein function. In summary, the available evidence is currently insufficient to determine the role of this variant in disease. Therefore, it has been classified as a Variant of Uncertain Significance.